The following is an entry in ClinVar:

NM_001146.5(ANGPT1):c.673C>T (p.Arg225Cys)

Gene: ANGPT1 (angiopoietin 1; minus strand). Cytogenetic location: 8q23.1.
Variant type: single nucleotide variant.
Coding change: c.673C>T on transcript NM_001146.5 (MANE Select); coding-DNA position 673, C replaced by T.
Protein change: p.Arg225Cys; replaces arginine 225 with cysteine.
Molecular consequence: missense variant.
Genome position (GRCh38, 1-based): chr8:107,322,031, G>A on the plus strand (C>T on the coding strand, the complement: ANGPT1 is on the minus strand). VCF-style: chr8-107322031-G-A. GRCh37 (hg19) VCF-style: chr8-108334259-G-A.
Other names: c.673C>T, p.Arg225Cys (NM_001199859.3); c.73C>T, p.Arg25Cys (NM_001314051.2); short protein forms R25C, R225C.
Identifiers: ClinVar variation 1901648 (VCV001901648.5), dbSNP rs777414772, ClinGen allele CA4841292.
Genomic context (GRCh38, chr8:107,322,031, plus strand): 5'-TGTTGTTGGTGGTAGCTCTGTTTAATTGCTTTTCCAGCTCCTGGATTATATATGTTTGAC[G>A]AGTAACCAAGCCTTGAAGGTTCTCTTTCTCTTCCTTTAAGGTGTCCAACTCTTCCTTGTG-3'
Protein context (NP_001137.2, residues 215-235): EKENLQGLVT[Arg225Cys]QTYIIQELEK

ClinVar aggregate classification (germline): Uncertain significance (1 of 4 stars; one submission).

Allele frequency attached by ClinVar (database versions not stated): gnomAD exomes 0.00002; TOPMed 0.00002; gnomAD 0.00003; ExAC 0.00005.
gnomAD v4.1: 39 of 1,613,750 alleles (0.0024%); highest among the groups gnomAD compares: South Asian, 0.012%; 1 homozygote.

Submission:

Labcorp Genetics (formerly Invitae), Labcorp
Classification: Uncertain significance. Last evaluated: 2025-06-23. Review status: criteria provided, single submitter. Criteria: Invitae Variant Classification Sherloc (09022015). Collection method: clinical testing. Allele origin: germline.
Comment: This sequence change replaces arginine, which is basic and polar, with cysteine, which is neutral and slightly polar, at codon 225 of the ANGPT1 protein (p.Arg225Cys). The frequency data for this variant in the population databases is considered unreliable, as metrics indicate poor data quality at this position in the gnomAD database. This missense change has been observed in individual(s) with ANGPT1-related conditions (PMID: 28601681). ClinVar contains an entry for this variant (Variation ID: 1901648). An algorithm developed to predict the effect of missense changes on protein structure and function (PolyPhen-2) suggests that this variant is likely to be disruptive. Experimental studies have shown that this missense change does not substantially affect ANGPT1 function (PMID: 28601681). In summary, the available evidence is currently insufficient to determine the role of this variant in disease. Therefore, it has been classified as a Variant of Uncertain Significance.

Literature cited by the submitters: PubMed 28601681.